The following is an entry in ClinVar:

NM_006892.4(DNMT3B):c.159G>A (p.Ser53=)

Gene: DNMT3B (DNA methyltransferase 3 beta; plus strand). Cytogenetic location: 20q11.21.
Variant type: single nucleotide variant.
Coding change: c.159G>A on transcript NM_006892.4 (MANE Select); coding-DNA position 159, G replaced by A.
Protein change: p.Ser53=; no amino-acid change (serine 53 retained).
Molecular consequence: synonymous variant.
Genome position (GRCh38, 1-based): chr20:32,781,369, G>A. VCF-style: chr20-32781369-G-A. GRCh37 (hg19) VCF-style: chr20-31369175-G-A.
Other names: c.159G>A, p.Ser53= (NM_001207055.2, NM_001207056.2, NM_175848.2 and 1 more transcripts); c.195G>A, p.Ser65= (NM_175850.3).
Identifiers: ClinVar variation 530711 (VCV000530711.13), dbSNP rs145694804, ClinGen allele CA9810075.
Genomic context (GRCh38, chr20:32,781,369, plus strand): 5'-GTGCCTGCCCCCACAAAACAGACTCCTGGCTGTTTCCTCTACAGGCCGAAGATCAAGCTC[G>A]CGACTCTCCAAGAGGGAGGTGTCCAGTCTGCTAAGCTACACACAGGTATGGTCTCTGCTC-3'
Protein context (NP_008823.1, residues 43-63): TPEIRGRRSS[Ser53=]RLSKREVSSL

ClinVar aggregate classification (germline): Likely benign. Review status: criteria provided, multiple submitters, no conflicts (2 of 4 stars). 3 submissions from 3 submitters: Likely benign (2). 1 of the submissions does not count toward it. Last evaluated 2026-01-28.

Conditions:
Centromeric instability of chromosomes 1,9 and 16 and immunodeficiency (ICF1). Also called: CENTROMERIC INSTABILITY, IMMUNODEFICIENCY SYNDROME; Immunodeficiency-centromeric instability-facial anomalies; IMMUNE DEFICIENCY, VARIABLE, WITH CENTROMERIC INSTABILITY OF CHROMOSOMES 1, 9, AND 16; IMMUNODEFICIENCY SYNDROME, VARIABLE. Identifiers: Orphanet 2268, MedGen C0398788, MONDO:0000133.
DNMT3B-related disorder. Also called: DNMT3B-related condition.

Allele frequency attached by ClinVar (database versions not stated): gnomAD 0.00026; ESP Exome Variant Server 0.00038; TOPMed 0.00040; 1000 Genomes Project 0.00060; 1000 Genomes Project 30x 0.00062; gnomAD exomes 0.00011; ExAC 0.00015.
gnomAD v4.1: 195 of 1,614,146 alleles (0.012%); highest among the groups gnomAD compares: African/African-American, 0.072%; no homozygotes.

Submissions (3):

Labcorp Genetics (formerly Invitae), Labcorp
Classification: Likely benign for Centromeric instability of chromosomes 1,9 and 16 and immunodeficiency. Last evaluated: 2026-01-28. Review status: criteria provided, single submitter. Criteria: Invitae Variant Classification Sherloc (09022015). Collection method: clinical testing. Allele origin: germline.

Blueprint Genetics
Classification: Likely benign. Last evaluated: 2024-07-19. Review status: criteria provided, single submitter. Criteria: ACMG Guidelines, 2015. Collection method: clinical testing. Allele origin: germline.

PreventionGenetics, part of Exact Sciences
Classification: Likely benign for DNMT3B-related condition. Last evaluated: 2019-03-15. Review status: no assertion criteria provided. Collection method: clinical testing. Allele origin: germline. Not counted in ClinVar's aggregate classification.
Comment: This variant is classified as likely benign based on ACMG/AMP sequence variant interpretation guidelines (Richards et al. 2015 PMID: 25741868, with internal and published modifications).